The following is an entry in ClinVar:

NM_177438.3(DICER1):c.4206+13del

Gene: DICER1 (dicer 1, ribonuclease III; minus strand). Cytogenetic location: 14q32.13.
Variant type: Deletion.
Coding change: c.4206+13del on transcript NM_177438.3 (MANE Select); 13 bases into the intron after coding-DNA position 4206, one base deleted (G; older notation c.4206+13delG).
Molecular consequence: intron variant.
Genome position (GRCh38, 1-based): chr14:95,099,767, C deleted on the plus strand (G on the coding strand, the reverse complement: DICER1 is on the minus strand). VCF-style (leftmost placement, unchanged base first): chr14-95099766-AC-A. GRCh37 (hg19) VCF-style: chr14-95566103-AC-A.
Other names: p.?; c.4206+9_4206+13delinsGTGT (NM_177438.3); c.4206+13del (NM_177438.2, NM_001291628.2, NM_030621.4 and 2 more transcripts).
Identifiers: ClinVar variation 1328039 (VCV001328039.14), dbSNP rs35300142, ClinGen allele CA7330918.

ClinVar aggregate classification (germline): Benign/Likely benign. Review status: criteria provided, multiple submitters, no conflicts (2 of 4 stars). 6 submissions from 6 submitters: Benign (2); Likely benign (2). 2 of the submissions do not count toward it. Last evaluated 2026-01-29.

Conditions:
DICER1-related tumor predisposition. Also called: DICER1 syndrome; DICER1-related pleuropulmonary blastoma cancer predisposition syndrome. Identifiers: Orphanet 284343, MedGen C3839822, MONDO:0100216.

Allele frequency attached by ClinVar (database versions not stated): gnomAD exomes 0.15302; ExAC 0.29707; gnomAD 0.49104 and 0.49584.

Submissions (6):

Labcorp Genetics (formerly Invitae), Labcorp
Classification: Likely benign for DICER1-related tumor predisposition. Last evaluated: 2026-01-29. Review status: criteria provided, single submitter. Criteria: Invitae Variant Classification Sherloc (09022015). Collection method: clinical testing. Allele origin: germline.

Center for Genomic Medicine, Rigshospitalet, Copenhagen University Hospital
Classification: Benign. Last evaluated: 2025-03-04. Review status: criteria provided, single submitter. Criteria: ACMG Guidelines, 2015. Collection method: clinical testing. Allele origin: germline.

Blueprint Genetics
Classification: Likely benign. Last evaluated: 2024-11-27. Review status: criteria provided, single submitter. Criteria: ACMG Guidelines, 2015. Collection method: clinical testing. Allele origin: germline.

Mayo Clinic Laboratories, Mayo Clinic
Classification: Benign. Last evaluated: 2022-07-19. Review status: criteria provided, single submitter. Criteria: ACMG Guidelines, 2015. Collection method: clinical testing. Allele origin: germline. Observed: 152 variant alleles.
Comment: BA1, BP4

Genome Diagnostics Laboratory, University Medical Center Utrecht
Classification: Benign. Review status: no assertion criteria provided. Collection method: clinical testing. Allele origin: germline. Affected: yes. Study: VKGL Data-share Consensus. Not counted in ClinVar's aggregate classification.

Laboratory of Diagnostic Genome Analysis, Leiden University Medical Center (LUMC)
Classification: Benign. Review status: no assertion criteria provided. Collection method: clinical testing. Allele origin: germline. Affected: yes. Study: VKGL Data-share Consensus. Not counted in ClinVar's aggregate classification.